The following is an entry in ClinVar:

NC_000007.14:g.(?_16308523)_(16689906_?)del

Genes: LRRC72 (leucine rich repeat containing 72; plus strand), ANKMY2 (ankyrin repeat and MYND domain containing 2; minus strand), SOSTDC1 (sclerostin domain containing 1; minus strand), CRPPA (CDP-L-ribitol pyrophosphorylase A; minus strand), BZW2 (basic leucine zipper and W2 domains 2; plus strand) and 3 more. Cytogenetic location: 7p21.2-21.1.
Variant type: Deletion.
Identifiers: ClinVar variation 583954 (VCV000583954.7).

ClinVar aggregate classification (germline): Pathogenic (1 of 4 stars; one submission).

Conditions:
Autosomal recessive limb-girdle muscular dystrophy type 2U. Also called: MUSCULAR DYSTROPHY, LIMB-GIRDLE, TYPE 2U; Muscular dystrophy-dystroglycanopathy (limb-girdle), type c, 7. Identifiers: Orphanet 352479, MedGen C5190987, MONDO:0014474, OMIM 616052.
Muscular dystrophy-dystroglycanopathy (congenital with brain and eye anomalies), type A, 7. Also called: WALKER-WARBURG SYNDROME OR MUSCLE-EYE-BRAIN DISEASE, ISPD-RELATED; Congenital muscular dystrophy-dystroglycanopathy with brain and eye anomalies, type A7. Identifiers: Orphanet 899, MedGen C3553330, MONDO:0013835, OMIM 614643.

Submission:

Labcorp Genetics (formerly Invitae), Labcorp
Classification: Pathogenic for Muscular dystrophy-dystroglycanopathy (congenital with brain and eye anomalies), type A, 7; Autosomal recessive limb-girdle muscular dystrophy type 2U. Last evaluated: 2017-10-04. Review status: criteria provided, single submitter. Criteria: Invitae Variant Classification Sherloc (09022015). Collection method: clinical testing. Allele origin: germline.
Comment: For these reasons, this variant has been classified as Pathogenic. Loss-of-function variants in ISPD are known to be pathogenic (PMID: 23288328). This deletion has not been reported in the literature in individuals with ISPD-related disease. This variant is a gross deletion of the genomic region encompassing exons 1-4 of the ISPD gene, which includes the initiator codon. The 5' end of this event is unknown as it extends beyond the assayed region for this gene and therefore may encompass additional genes. The 3' boundary is likely confined to intron 4 of the ISPD gene. This is expected to result in an absent or disrupted protein product.

Literature cited by the submitters: PubMed 23288328.